The following is an entry in ClinVar:

NM_004663.5(RAB11A):c.16G>C (p.Asp6His)

Gene: RAB11A (RAB11A, member RAS oncogene family; plus strand). Cytogenetic location: 15q22.31.
Variant type: single nucleotide variant.
Coding change: c.16G>C on transcript NM_004663.5 (MANE Select); coding-DNA position 16, G replaced by C.
Protein change: p.Asp6His; replaces aspartic acid 6 with histidine.
Molecular consequence: missense variant.
Genome position (GRCh38, 1-based): chr15:65,869,601, G>C. VCF-style: chr15-65869601-G-C. GRCh37 (hg19) VCF-style: chr15-66161939-G-C.
Other names: c.16G>C, p.Asp6His (NM_001206836.2); short protein forms D6H.
Identifiers: ClinVar variation 3600757 (VCV003600757.1).
Genomic context (GRCh38, chr15:65,869,601, plus strand): 5'-ACAGATACCACTGCTGCTCCCGCCCTTTCGCTCCTCGGCCGCGCAATGGGCACCCGCGAC[G>C]ACGAGTACGACTACCTCTTTAAAGGTGAGGCCATGGGCTCTCGCACTCTACACAGTCCTC-3'
Protein context (NP_004654.1, residues 1-16): MGTRD[Asp6His]EYDYLFKVVL

ClinVar aggregate classification (germline): Uncertain significance (1 of 4 stars; one submission).

Submission:

GeneDx
Classification: Uncertain significance. Last evaluated: 2024-07-25. Review status: criteria provided, single submitter. Criteria: GeneDx Variant Classification Process June 2021. Collection method: clinical testing. Allele origin: germline. Affected: yes.
Comment: Not observed at significant frequency in large population cohorts (gnomAD); In silico analysis supports that this missense variant has a deleterious effect on protein structure/function; Has not been previously published as pathogenic or benign to our knowledge